The following is an entry in ClinVar:

NM_001283009.2(RTEL1):c.3766C>A (p.Gln1256Lys)

Genes: RTEL1 (regulator of telomere elongation helicase 1; plus strand), RTEL1-TNFRSF6B (RTEL1-TNFRSF6B readthrough (NMD candidate); plus strand). Cytogenetic location: 20q13.33.
Variant type: single nucleotide variant.
Coding change: c.3766C>A on transcript NM_001283009.2 (MANE Select); coding-DNA position 3766, C replaced by A.
Protein change: p.Gln1256Lys; replaces glutamine 1256 with lysine.
Molecular consequence: missense variant. On other transcripts: non-coding transcript variant (1), intron variant (3).
Genome position (GRCh38, 1-based): chr20:63,695,594, C>A. VCF-style: chr20-63695594-C-A. GRCh37 (hg19) VCF-style: chr20-62326947-C-A.
Other names: c.2983+114C>A (NM_001283010.1); c.3724+114C>A (NM_032957.5); c.3652+114C>A (NM_016434.4); short protein forms Q1256K.
Identifiers: ClinVar variation 1965422 (VCV001965422.5), dbSNP rs1385101139, ClinGen allele CA409710253.
Genomic context (GRCh38, chr20:63,695,594, plus strand): 5'-GGGCCCCTCTCAGCAGGCTGTGTGTGCCAGGGCTGTGGGGCAGAGGACGTGGTGCCCTTC[C>A]AGTGCCCTGCCTGTGACTTCCAGCGCTGCCAAGCCTGCTGGCAACGGCACCTTCAGGTTG-3'
Protein context (NP_001269938.1, residues 1246-1266): GCGAEDVVPF[Gln1256Lys]CPACDFQRCQ

ClinVar aggregate classification (germline): Uncertain significance (1 of 4 stars; one submission).

Conditions:
Dyskeratosis congenita, autosomal recessive 5 (DKCB5). Identifiers: MedGen C3554656, MONDO:0014076, OMIM 615190.
Pulmonary fibrosis and/or bone marrow failure, Telomere-related, 3. Also called: PULMONARY FIBROSIS AND/OR BONE MARROW FAILURE SYNDROME, TELOMERE-RELATED, 3. Identifiers: Orphanet 2032, MedGen C4225346, MONDO:0014613, OMIM 616373.

Submission:

Labcorp Genetics (formerly Invitae), Labcorp
Classification: Uncertain significance for Dyskeratosis congenita, autosomal recessive 5; Pulmonary fibrosis and/or bone marrow failure, Telomere-related, 3. Last evaluated: 2022-10-17. Review status: criteria provided, single submitter. Criteria: Invitae Variant Classification Sherloc (09022015). Collection method: clinical testing. Allele origin: germline.
Comment: Algorithms developed to predict the effect of missense changes on protein structure and function (SIFT, PolyPhen-2, Align-GVGD) all suggest that this variant is likely to be tolerated. In summary, the available evidence is currently insufficient to determine the role of this variant in disease. Therefore, it has been classified as a Variant of Uncertain Significance. This variant has not been reported in the literature in individuals affected with RTEL1-related conditions. This variant is not present in population databases (gnomAD no frequency). This sequence change replaces glutamine, which is neutral and polar, with lysine, which is basic and polar, at codon 1256 of the RTEL1 protein (p.Gln1256Lys).